The following is an entry in ClinVar:

ClinVar aggregate classification (germline): Likely pathogenic (1 of 4 stars; one submission).

Submission:

Dasa
Classification: Likely pathogenic. Last evaluated: 2025-06-03. Review status: criteria provided, single submitter. Criteria: DASA Assertion Criteria. Collection method: clinical testing. Allele origin: germline.
Comment: NM_024577.4(SH3TC2):c.2168del (p.Gly723Alafs*28) is a frameshift variant in SH3TC2 predicted to alter the reading frame and introduce a premature termination codon and is predicted to result in an absent or altered protein product. Loss of function is an established disease mechanism for SH3TC2-associated disorders. Also, this variant is absent from population databases. Based on the currently available evidence, this variant is classified as likely pathogenic.

NM_024577.4(SH3TC2):c.2168del (p.Gly723fs)

Gene: SH3TC2 (SH3 domain and tetratricopeptide repeats 2; minus strand). Cytogenetic location: 5q32.
Variant type: Deletion.
Coding change: c.2168del on transcript NM_024577.4 (MANE Select); coding-DNA position 2168, one base deleted (G; older notation c.2168delG).
Protein change: p.Gly723fs; shifts the reading frame from glycine 723.
Molecular consequence: frameshift variant.
Genome position (GRCh38, 1-based): chr5:149,027,564, C deleted on the plus strand (G on the coding strand, the reverse complement: SH3TC2 is on the minus strand); the first of 2 consecutive C bases (chr5:149,027,564-149,027,565); deleting either gives the same sequence. VCF-style (leftmost placement, unchanged base first): chr5-149027563-GC-G. GRCh37 (hg19) VCF-style: chr5-148407126-GC-G.
Other names: short protein forms G723fs.
Identifiers: ClinVar variation 4884249 (VCV004884249.2).
Genomic context (GRCh38, chr5:149,027,563, plus strand): 5'-GGCCTGTCTGAGCATTGGGCAGGCCAAGGCAGAAACTTCACCCCAGCCTGGGGAAGGAAA[GC>G]CAAGGAGCTTGGTTGTGTTCTGGAGGACAAGGTGGACCTGCCAAATAGGAAGAGACATCC-3'